The following is an entry in ClinVar:

ClinVar aggregate classification (germline): Pathogenic (1 of 4 stars; one submission).

Conditions:
Hereditary cancer-predisposing syndrome. Also called: Hereditary Cancer Syndrome; Hereditary neoplastic syndrome; Tumor predisposition; Neoplastic Syndromes, Hereditary. Identifiers: Orphanet 140162, MedGen C0027672, MeSH D009386, MONDO:0015356.

Submission:

Ambry Genetics
Classification: Pathogenic for Hereditary cancer-predisposing syndrome. Last evaluated: 2019-03-20. Review status: criteria provided, single submitter. Criteria: Ambry Variant Classification Scheme 2023. Collection method: clinical testing. Allele origin: germline.
Comment: The c.2480dupC pathogenic mutation, located in coding exon 23 of the RB1 gene, results from a duplication of C at nucleotide position 2480, causing a translational frameshift with a predicted alternate stop codon (p.R828Kfs*10). This alteration is expected to result in loss of function by premature protein truncation or nonsense-mediated mRNA decay. As such, this alteration is interpreted as a disease-causing mutation.

NM_000321.3(RB1):c.2480dup (p.Arg828fs)

Gene: RB1 (RB transcriptional corepressor 1; plus strand). Cytogenetic location: 13q14.2.
Variant type: Duplication.
Coding change: c.2480dup on transcript NM_000321.3 (MANE Select); coding-DNA position 2480, one base duplicated (C; older notation c.2480dupC).
Protein change: p.Arg828fs; shifts the reading frame from arginine 828.
Molecular consequence: frameshift variant.
Genome position (GRCh38, 1-based): chr13:48,465,359, C duplicated; the last of 2 consecutive C bases (chr13:48,465,358-48,465,359); duplicating either gives the same sequence. VCF-style (leftmost placement, unchanged base first): chr13-48465357-T-TC. GRCh37 (hg19) VCF-style: chr13-49039493-T-TC.
Other names: c.2480dup, p.Arg828Lysfs (NM_001407165.1); c.2480dupC (NM_000321.2); short protein forms R828fs.
Identifiers: ClinVar variation 1791914 (VCV001791914.2), dbSNP rs2542376185, ClinGen allele CA2580087709.